The following is an entry in ClinVar:

NM_000057.4(BLM):c.3752-5C>T

Gene: BLM (BLM RecQ like helicase; plus strand). Cytogenetic location: 15q26.1.
Variant type: single nucleotide variant.
Coding change: c.3752-5C>T on transcript NM_000057.4 (MANE Select); 5 bases into the intron before coding-DNA position 3752, C replaced by T.
Molecular consequence: intron variant.
Genome position (GRCh38, 1-based): chr15:90,809,132, C>T. VCF-style: chr15-90809132-C-T. GRCh37 (hg19) VCF-style: chr15-91352362-C-T.
Other names: c.3752-5C>T (NM_001287246.2, NM_000057.3); c.2627-5C>T (NM_001287248.2); c.3359-5C>T (NM_001287247.2).
Identifiers: ClinVar variation 1562657 (VCV001562657.4), dbSNP rs2151198253, ClinGen allele CA2503089676.

ClinVar aggregate classification (germline): Likely benign. Review status: criteria provided, multiple submitters, no conflicts (2 of 4 stars). 2 submissions from 2 submitters: Likely benign (2). Last evaluated 2026-09-20.

Conditions:
BLM-related disorder. Also called: BLM-related condition.
Bloom syndrome (BLM). Also called: Bloom-Torre-Machacek syndrome. Identifiers: Orphanet 125, MedGen C0005859, MONDO:0008876, OMIM 210900.

gnomAD v4.1: 1 of 1,614,108 alleles (0.000062%); highest among the groups gnomAD compares: Non-Finnish European, 0.000085%; no homozygotes.

Submissions (2):

PreventionGenetics, part of Exact Sciences
Classification: Likely benign for BLM-related condition. Last evaluated: 2026-09-20. Review status: criteria provided, single submitter. Criteria: ACMG Guidelines, 2015. Collection method: clinical testing. Allele origin: germline.
Comment: This variant is classified as likely benign based on ACMG/AMP sequence variant interpretation guidelines (Richards et al. 2015 PMID: 25741868, with internal and published modifications).

Labcorp Genetics (formerly Invitae), Labcorp
Classification: Likely benign for Bloom syndrome. Last evaluated: 2021-03-11. Review status: criteria provided, single submitter. Criteria: Invitae Variant Classification Sherloc (09022015). Collection method: clinical testing. Allele origin: germline.